The following is an entry in ClinVar:

ClinVar aggregate classification (germline): Conflicting classifications of pathogenicity. Review status: criteria provided, conflicting classifications (1 of 4 stars). 6 submissions from 6 submitters: Uncertain significance (2); Benign (1); Likely benign (3). Last evaluated 2025-10-02.

Conditions:
Familial sleep-related hypermotor epilepsy. Also called: Autosomal Dominant Sleep-Related Hypermotor (Hyperkinetic) Epilepsy. Identifiers: Orphanet 98784, MedGen C3696898, MONDO:0000030.
Inborn genetic diseases. Identifiers: MedGen C0950123, MeSH D030342.

Allele frequency attached by ClinVar (database versions not stated): gnomAD exomes 0.00006 and 0.00026; ExAC 0.00008; TOPMed 0.00062; gnomAD 0.00076 and 0.00080.
gnomAD v4.1: 198 of 1,612,852 alleles (0.012%); highest among the groups gnomAD compares: Admixed American, 0.31%; 1 homozygote.

Submissions (6):

Labcorp Genetics (formerly Invitae), Labcorp
Classification: Likely benign. Last evaluated: 2025-10-02. Review status: criteria provided, single submitter. Criteria: Invitae Variant Classification Sherloc (09022015). Collection method: clinical testing. Allele origin: germline.

Blueprint Genetics
Classification: Likely benign. Last evaluated: 2023-12-19. Review status: criteria provided, single submitter. Criteria: ACMG Guidelines, 2015. Collection method: clinical testing. Allele origin: germline.

CeGaT Center for Human Genetics Tuebingen
Classification: Likely benign. Last evaluated: 2023-02-01. Review status: criteria provided, single submitter. Criteria: CeGaT Center For Human Genetics Tuebingen Variant Classification Criteria Version 2. Collection method: clinical testing. Allele origin: germline. Affected: yes. Observed: 1 variant allele.
Comment: CHRNA4: BP4, BS1

GeneDx
Classification: Benign. Last evaluated: 2020-04-06. Review status: criteria provided, single submitter. Criteria: GeneDx Variant Classification Process June 2021. Collection method: clinical testing. Allele origin: germline. Affected: yes.

Eurofins Ntd Llc (ga)
Classification: Uncertain significance. Last evaluated: 2017-11-17. Review status: criteria provided, single submitter. Criteria: EGL Classification Definitions 2015. Collection method: clinical testing. Allele origin: germline. Observed: 1 variant allele, 1 homozygote.

Ambry Genetics
Classification: Uncertain significance for Inborn genetic diseases. Last evaluated: 2016-09-19. Review status: criteria provided, single submitter. Criteria: Ambry Variant Classification Scheme 2023. Collection method: clinical testing. Allele origin: germline.
Comment: The p.R370W variant (also known as c.1108C>T), located in coding exon 5 of the CHRNA4 gene, results from a C to T substitution at nucleotide position 1108. The arginine at codon 370 is replaced by tryptophan, an amino acid with dissimilar properties. This variant was previously reported in the SNPDatabase as rs76378652. This variant was not reported in population-based cohorts in the following databases: NHLBI Exome Sequencing Project (ESP) and 1000 Genomes Project. In the ESP, this variant was not observed in 6,501 samples (13,002 alleles) with coverage at this position. This amino acid position is not well conserved in available vertebrate species. In addition, this alteration is predicted to be tolerated by in silico analysis. Since supporting evidence is limited at this time, the clinical significance of this variant remains unclear.

NM_000744.7(CHRNA4):c.1108C>T (p.Arg370Trp)

Gene: CHRNA4 (cholinergic receptor nicotinic alpha 4 subunit; minus strand). Cytogenetic location: 20q13.33.
Variant type: single nucleotide variant.
Coding change: c.1108C>T on transcript NM_000744.7 (MANE Select); coding-DNA position 1108, C replaced by T.
Protein change: p.Arg370Trp; replaces arginine 370 with tryptophan.
Molecular consequence: missense variant. On other transcripts: non-coding transcript variant (1).
Genome position (GRCh38, 1-based): chr20:63,350,303, G>A on the plus strand (C>T on the coding strand, the complement: CHRNA4 is on the minus strand). VCF-style: chr20-63350303-G-A. GRCh37 (hg19) VCF-style: chr20-61981655-G-A.
Other names: p.R370W:CGG>TGG; c.580C>T, p.Arg194Trp (NM_001256573.2); short protein forms R370W, R194W.
Identifiers: ClinVar variation 205022 (VCV000205022.46), dbSNP rs76378652, ClinGen allele CA313563.